The following is an entry in ClinVar:

ClinVar aggregate classification (germline): Pathogenic. Review status: criteria provided, multiple submitters, no conflicts (2 of 4 stars). 2 submissions from 2 submitters: Pathogenic (2). Last evaluated 2023-05-19.

Conditions:
Familial cancer of breast. Also called: BREAST CANCER, FAMILIAL; Hereditary breast cancer; hereditary breast carcinoma. Identifiers: Orphanet 227535, MedGen C0346153, MONDO:0016419, OMIM 114480. Disease mechanism: loss of function.
Malignant tumor of breast. Also called: Malignant breast neoplasm; Cancer breast. Identifiers: MedGen C0006142, MONDO:0007254. Disease mechanism: loss of function.

Allele frequency attached by ClinVar (database versions not stated): gnomAD exomes 0.00001.
gnomAD v4.1: 12 of 1,590,402 alleles (0.00075%); highest among the groups gnomAD compares: Non-Finnish European, 0.001%; no homozygotes.

Submissions (2):

Myriad Genetics, Inc.
Classification: Pathogenic for Familial cancer of breast. Last evaluated: 2023-05-19. Review status: criteria provided, single submitter. Criteria: Myriad Autosomal Dominant, Autosomal Recessive and X-Linked Classification Criteria (2023). Collection method: clinical testing. Allele origin: unknown.
Comment: This variant is considered pathogenic. This variant creates a termination codon and is predicted to result in premature protein truncation.

Labcorp Genetics (formerly Invitae), Labcorp
Classification: Pathogenic for Familial cancer of breast. Last evaluated: 2021-09-25. Review status: criteria provided, single submitter. Criteria: Invitae Variant Classification Sherloc (09022015). Collection method: clinical testing. Allele origin: germline.
Comment: This sequence change creates a premature translational stop signal (p.Glu225*) in the BARD1 gene. It is expected to result in an absent or disrupted protein product. For these reasons, this variant has been classified as Pathogenic. Loss-of-function variants in BARD1 are known to be pathogenic (PMID: 20077502, 21344236). This variant has not been reported in the literature in individuals with BARD1-related conditions. This variant is not present in population databases (ExAC no frequency).

Literature cited by the submitters: PubMed 20077502 (cited by Labcorp Genetics (formerly Invitae), Labcorp); PubMed 21344236 (cited by Labcorp Genetics (formerly Invitae), Labcorp).

NM_000465.4(BARD1):c.673G>T (p.Glu225Ter)

Gene: BARD1 (BRCA1 associated RING domain 1; minus strand). Cytogenetic location: 2q35.
Variant type: single nucleotide variant.
Coding change: c.673G>T on transcript NM_000465.4 (MANE Select); coding-DNA position 673, G replaced by T.
Protein change: p.Glu225Ter; replaces glutamic acid 225 with a stop codon.
Molecular consequence: nonsense. On other transcripts: non-coding transcript variant (2), intron variant (3).
Genome position (GRCh38, 1-based): chr2:214,781,201, C>A on the plus strand (G>T on the coding strand, the complement: BARD1 is on the minus strand). VCF-style: chr2-214781201-C-A. GRCh37 (hg19) VCF-style: chr2-215645925-C-A.
Other names: c.616G>T, p.Glu206Ter (NM_001282543.2); c.158+28211G>T (NM_001282548.2); c.215+15860G>T (NM_001282545.2); c.364+11096G>T (NM_001282549.2); short protein forms E206*, E225*.
Identifiers: ClinVar variation 848485 (VCV000848485.13), dbSNP rs1064793049, ClinGen allele CA350456479.